The following is an entry in ClinVar:

NM_020774.4(MIB1):c.2815G>A (p.Asp939Asn)

Gene: MIB1 (MIB E3 ubiquitin protein ligase 1; plus strand). Cytogenetic location: 18q11.2.
Variant type: single nucleotide variant.
Coding change: c.2815G>A on transcript NM_020774.4 (MANE Select); coding-DNA position 2815, G replaced by A.
Protein change: p.Asp939Asn; replaces aspartic acid 939 with asparagine.
Molecular consequence: missense variant.
Genome position (GRCh38, 1-based): chr18:21,858,581, G>A. VCF-style: chr18-21858581-G-A. GRCh37 (hg19) VCF-style: chr18-19438542-G-A.
Other names: short protein forms D939N.
Identifiers: ClinVar variation 4107589 (VCV004107589.1).

ClinVar aggregate classification (germline): Uncertain significance (1 of 4 stars; one submission).

Conditions:
Inborn genetic diseases. Identifiers: MedGen C0950123, MeSH D030342.

gnomAD v4.1: 1 of 1,597,762 alleles (0.000063%); highest among the groups gnomAD compares: Admixed American, 0.0017%; no homozygotes.

Submission:

Ambry Genetics
Classification: Uncertain significance for Inborn genetic diseases. Last evaluated: 2025-07-13. Review status: criteria provided, single submitter. Criteria: Ambry Variant Classification Scheme 2023. Collection method: clinical testing. Allele origin: germline.
Comment: The p.D939N variant (also known as c.2815G>A), located in coding exon 20 of the MIB1 gene, results from a G to A substitution at nucleotide position 2815. The aspartic acid at codon 939 is replaced by asparagine, an amino acid with highly similar properties. This amino acid position is conserved. In addition, this alteration is predicted to be tolerated by in silico analysis. Based on the available evidence, the clinical significance of this variant remains unclear.